The following is an entry in ClinVar:

ClinVar aggregate classification (germline): Pathogenic. Review status: criteria provided, multiple submitters, no conflicts (2 of 4 stars). 2 submissions from 2 submitters: Pathogenic (2). Last evaluated 2026-03-31.

Conditions:
Hereditary spastic paraplegia 4. Also called: Spastic Paraplegia 4; Spastic paraplegia 4, autosomal dominant; Familial spastic paraplegia autosomal dominant 2. Identifiers: Orphanet 100985, MedGen C1866855, MONDO:0008438, OMIM 182601.

Submissions (2):

GeneDx
Classification: Pathogenic. Last evaluated: 2026-03-31. Review status: criteria provided, single submitter. Criteria: GeneDx Variant Classification Process June 2021. Collection method: clinical testing. Allele origin: germline.
Comment: Not observed at significant frequency in large population cohorts (gnomAD); In silico analysis supports that this missense variant has a deleterious effect on protein structure/function; This variant is associated with the following publications: (PMID: 10699187, 30476002, 15841487, 32522921, 21139634, 26094131)

Labcorp Genetics (formerly Invitae), Labcorp
Classification: Pathogenic for Hereditary spastic paraplegia 4. Last evaluated: 2023-12-11. Review status: criteria provided, single submitter. Criteria: Invitae Variant Classification Sherloc (09022015). Collection method: clinical testing. Allele origin: germline.
Comment: This sequence change replaces arginine, which is basic and polar, with leucine, which is neutral and non-polar, at codon 460 of the SPAST protein (p.Arg460Leu). This variant is not present in population databases (gnomAD no frequency). This missense change has been observed in individual(s) with clinical features of hereditary spastic paraplegia (PMID: 10699187, 32522921). In at least one individual the variant was observed to be de novo. This variant is also known as SPG4 1504G>T. ClinVar contains an entry for this variant (Variation ID: 2203045). Advanced modeling of protein sequence and biophysical properties (such as structural, functional, and spatial information, amino acid conservation, physicochemical variation, residue mobility, and thermodynamic stability) performed at Invitae indicates that this missense variant is expected to disrupt SPAST protein function with a positive predictive value of 80%. This variant disrupts the p.Arg460 amino acid residue in SPAST. Other variant(s) that disrupt this residue have been determined to be pathogenic (PMID: 15248095, 15482961, 16055926). This suggests that this residue is clinically significant, and that variants that disrupt this residue are likely to be disease-causing. For these reasons, this variant has been classified as Pathogenic.

Literature cited by the submitters: PubMed 10699187 (cited by Labcorp Genetics (formerly Invitae), Labcorp); PubMed 32522921 (cited by Labcorp Genetics (formerly Invitae), Labcorp); PubMed 15248095 (cited by Labcorp Genetics (formerly Invitae), Labcorp); PubMed 15482961 (cited by Labcorp Genetics (formerly Invitae), Labcorp); PubMed 16055926 (cited by Labcorp Genetics (formerly Invitae), Labcorp).

NM_014946.4(SPAST):c.1379G>T (p.Arg460Leu)

Gene: SPAST (spastin; plus strand). Cytogenetic location: 2p22.3.
Variant type: single nucleotide variant.
Coding change: c.1379G>T on transcript NM_014946.4 (MANE Select); coding-DNA position 1379, G replaced by T.
Protein change: p.Arg460Leu; replaces arginine 460 with leucine.
Molecular consequence: missense variant.
Genome position (GRCh38, 1-based): chr2:32,136,934, G>T. VCF-style: chr2-32136934-G-T. GRCh37 (hg19) VCF-style: chr2-32362003-G-T.
Other names: c.1376G>T, p.Arg459Leu (NM_001363823.2); c.1280G>T, p.Arg427Leu (NM_001363875.2); c.1283G>T, p.Arg428Leu (NM_001377959.1, NM_199436.2); short protein forms R460L, R428L, R427L, R459L.
Identifiers: ClinVar variation 2203045 (VCV002203045.5), dbSNP rs1553318241, ClinGen allele CA346502292.